The following is an entry in ClinVar:

NM_003136.4(SRP54):c.1166G>A (p.Ser389Asn)

Gene: SRP54 (signal recognition particle 54; plus strand). Cytogenetic location: 14q13.2.
Variant type: single nucleotide variant.
Coding change: c.1166G>A on transcript NM_003136.4 (MANE Select); coding-DNA position 1166, G replaced by A.
Protein change: p.Ser389Asn; replaces serine 389 with asparagine.
Molecular consequence: missense variant.
Genome position (GRCh38, 1-based): chr14:35,022,919, G>A. VCF-style: chr14-35022919-G-A. GRCh37 (hg19) VCF-style: chr14-35492125-G-A.
Other names: c.1019G>A, p.Ser340Asn (NM_001146282.2); short protein forms S389N, S340N.
Identifiers: ClinVar variation 1495923 (VCV001495923.8), dbSNP rs2139023933, ClinGen allele CA389448003.

ClinVar aggregate classification (germline): Uncertain significance (1 of 4 stars; one submission).

Allele frequency attached by ClinVar (database versions not stated): gnomAD exomes below 0.00001.

Submission:

Labcorp Genetics (formerly Invitae), Labcorp
Classification: Uncertain significance. Last evaluated: 2025-07-21. Review status: criteria provided, single submitter. Criteria: Invitae Variant Classification Sherloc (09022015). Collection method: clinical testing. Allele origin: germline.
Comment: This sequence change replaces serine, which is neutral and polar, with asparagine, which is neutral and polar, at codon 389 of the SRP54 protein (p.Ser389Asn). This variant is not present in population databases (gnomAD no frequency). This variant has not been reported in the literature in individuals affected with SRP54-related conditions. ClinVar contains an entry for this variant (Variation ID: 1495923). Invitae Evidence Modeling of protein sequence and biophysical properties (such as structural, functional, and spatial information, amino acid conservation, physicochemical variation, residue mobility, and thermodynamic stability) indicates that this missense variant is not expected to disrupt SRP54 protein function with a negative predictive value of 80%. In summary, the available evidence is currently insufficient to determine the role of this variant in disease. Therefore, it has been classified as a Variant of Uncertain Significance.